The following is an entry in ClinVar:

ClinVar aggregate classification (germline): Likely pathogenic. Review status: criteria provided, single submitter (1 of 4 stars). 2 submissions from 2 submitters: Likely pathogenic (1). 1 of the submissions does not count toward it. Last evaluated 2022-02-21.

Conditions:
Isolated microphthalmia 8. Identifiers: Orphanet 2542, MedGen C3554524, MONDO:0014050, OMIM 615113.

gnomAD v4.1: 20 of 1,614,076 alleles (0.0012%); highest among the groups gnomAD compares: Non-Finnish European, 0.0014%; no homozygotes.

Submissions (2):

Labcorp Genetics (formerly Invitae), Labcorp
Classification: Likely pathogenic for Isolated microphthalmia 8. Last evaluated: 2022-02-21. Review status: criteria provided, single submitter. Criteria: Invitae Variant Classification Sherloc (09022015). Collection method: clinical testing. Allele origin: germline.
Comment: This sequence change replaces glycine, which is neutral and non-polar, with valine, which is neutral and non-polar, at codon 282 of the ALDH1A3 protein (p.Gly282Val). This variant is present in population databases (rs547918064, gnomAD 0.002%). This missense change has been observed in individual(s) with micropthalmia (Invitae). ClinVar contains an entry for this variant (Variation ID: 1049955). Advanced modeling of protein sequence and biophysical properties (such as structural, functional, and spatial information, amino acid conservation, physicochemical variation, residue mobility, and thermodynamic stability) performed at Invitae indicates that this missense variant is expected to disrupt ALDH1A3 protein function. This variant disrupts the p.Gly282 amino acid residue in ALDH1A3. Other variant(s) that disrupt this residue have been observed in individuals with ALDH1A3-related conditions (PMID: 27717089; Invitae), which suggests that this may be a clinically significant amino acid residue. In summary, the currently available evidence indicates that the variant is pathogenic, but additional data are needed to prove that conclusively. Therefore, this variant has been classified as Likely Pathogenic.

Department of Pathology and Laboratory Medicine, Sinai Health System
Classification: Uncertain significance. Review status: no assertion criteria provided. Collection method: clinical testing. Allele origin: unknown. Affected: yes. Study: The Canadian Open Genetics Repository (COGR). Not counted in ClinVar's aggregate classification.
Comment: The ALDH1A3 p.G282V variant was not identified in the literature nor was it identified in ClinVar. The variant was identified in dbSNP (ID: rs547918064) and in control databases in 3 of 251354 chromosomes at a frequency of 0.00001194 (Genome Aggregation Database March 6, 2019, v2.1.1). The p.G282 residue is conserved in mammals and computational analyses (MUT Assesor, PolyPhen-2, SIFT, MutationTaster, Revel, FATHMM, MetaLR, DANN) suggest that the variant may impact the protein; however, this information is not predictive enough to assume pathogenicity. The variant occurs outside of the splicing consensus sequence and in silico or computational prediction software programs (Splice AI exome) do not predict a difference in splicing. In summary, based on the above information the clinical significance of this variant cannot be determined with certainty at this time. This variant is classified as a variant of uncertain significance.

Literature cited by the submitters: PubMed 27717089 (cited by Labcorp Genetics (formerly Invitae), Labcorp).

NM_000693.4(ALDH1A3):c.845G>T (p.Gly282Val)

Genes: ALDH1A3 (aldehyde dehydrogenase 1 family member A3; plus strand), ALDH1A3-AS1 (ALDH1A3 antisense RNA 1; minus strand). Cytogenetic location: 15q26.3.
Variant type: single nucleotide variant.
Coding change: c.845G>T on transcript NM_000693.4 (MANE Select); coding-DNA position 845, G replaced by T.
Protein change: p.Gly282Val; replaces glycine 282 with valine.
Molecular consequence: missense variant.
Genome position (GRCh38, 1-based): chr15:100,898,147, G>T. VCF-style: chr15-100898147-G-T. GRCh37 (hg19) VCF-style: chr15-101438352-G-T.
Other names: c.524G>T, p.Gly175Val (NM_001293815.2); short protein forms G175V, G282V.
Identifiers: ClinVar variation 1049955 (VCV001049955.6), dbSNP rs547918064, ClinGen allele CA7760223.
Genomic context (GRCh38, chr15:100,898,147, plus strand): 5'-GAAAACTGGTTAAAGAAGCTGCGTCCCGGAGCAATCTGAAGCGGGTGACGCTGGAGCTGG[G>T]GGGGAAGAACCCCTGCATCGTGTGTGCGGACGCTGACTGTGAGTCTCTGCCCTCCTGGGC-3'
Protein context (NP_000684.2, residues 272-292): SNLKRVTLEL[Gly282Val]GKNPCIVCAD